The following is an entry in ClinVar:

ClinVar aggregate classification (germline): Uncertain significance. Review status: criteria provided, multiple submitters, no conflicts (2 of 4 stars). 2 submissions from 2 submitters: Uncertain significance (2). Last evaluated 2024-02-08.

Allele frequency attached by ClinVar (database versions not stated): TOPMed 0.00001.
gnomAD v4.1: 29 of 1,612,808 alleles (0.0018%); highest among the groups gnomAD compares: East Asian, 0.0045%; no homozygotes.

Submissions (2):

Blueprint Genetics
Classification: Uncertain significance. Last evaluated: 2024-02-08. Review status: criteria provided, single submitter. Criteria: ACMG Guidelines, 2015. Collection method: clinical testing. Allele origin: germline.

Labcorp Genetics (formerly Invitae), Labcorp
Classification: Uncertain significance. Last evaluated: 2023-12-11. Review status: criteria provided, single submitter. Criteria: Invitae Variant Classification Sherloc (09022015). Collection method: clinical testing. Allele origin: germline.
Comment: This sequence change replaces leucine, which is neutral and non-polar, with phenylalanine, which is neutral and non-polar, at codon 173 of the KCNV2 protein (p.Leu173Phe). This variant is not present in population databases (gnomAD no frequency). This variant has not been reported in the literature in individuals affected with KCNV2-related conditions. ClinVar contains an entry for this variant (Variation ID: 951539). Advanced modeling of protein sequence and biophysical properties (such as structural, functional, and spatial information, amino acid conservation, physicochemical variation, residue mobility, and thermodynamic stability) performed at Invitae indicates that this missense variant is not expected to disrupt KCNV2 protein function with a negative predictive value of 80%. In summary, the available evidence is currently insufficient to determine the role of this variant in disease. Therefore, it has been classified as a Variant of Uncertain Significance.

NM_133497.4(KCNV2):c.517C>T (p.Leu173Phe)

Gene: KCNV2 (potassium voltage-gated channel modifier subfamily V member 2; plus strand). Cytogenetic location: 9p24.2.
Variant type: single nucleotide variant.
Coding change: c.517C>T on transcript NM_133497.4 (MANE Select); coding-DNA position 517, C replaced by T.
Protein change: p.Leu173Phe; replaces leucine 173 with phenylalanine.
Molecular consequence: missense variant.
Genome position (GRCh38, 1-based): chr9:2,718,256, C>T. VCF-style: chr9-2718256-C-T. GRCh37 (hg19) VCF-style: chr9-2718256-C-T.
Other names: short protein forms L173F.
Identifiers: ClinVar variation 951539 (VCV000951539.10), dbSNP rs760750739, ClinGen allele CA372798248.